The following is an entry in ClinVar:

ClinVar aggregate classification (germline): Uncertain significance (1 of 4 stars; one submission).

Conditions:
Multiple acyl-CoA dehydrogenase deficiency (MADD). Also called: Glutaric Acidemia type 2; ETHYLMALONIC-ADIPICACIDURIA; GA II; Glutaric aciduria, type 2; Glutaric acidemia type II; GA 2. Identifiers: Orphanet 26791, MedGen C0268596, MONDO:0009282, OMIM 231680.

Submission:

Labcorp Genetics (formerly Invitae), Labcorp
Classification: Uncertain significance for Multiple acyl-CoA dehydrogenase deficiency. Last evaluated: 2023-11-27. Review status: criteria provided, single submitter. Criteria: Invitae Variant Classification Sherloc (09022015). Collection method: clinical testing. Allele origin: germline.
Comment: This sequence change replaces glycine, which is neutral and non-polar, with glutamic acid, which is acidic and polar, at codon 228 of the ETFA protein (p.Gly228Glu). This variant is not present in population databases (gnomAD no frequency). This variant has not been reported in the literature in individuals affected with ETFA-related conditions. ClinVar contains an entry for this variant (Variation ID: 1963886). Advanced modeling of protein sequence and biophysical properties (such as structural, functional, and spatial information, amino acid conservation, physicochemical variation, residue mobility, and thermodynamic stability) performed at Invitae indicates that this missense variant is not expected to disrupt ETFA protein function with a negative predictive value of 80%. In summary, the available evidence is currently insufficient to determine the role of this variant in disease. Therefore, it has been classified as a Variant of Uncertain Significance.

NM_000126.4(ETFA):c.683G>A (p.Gly228Glu)

Gene: ETFA (electron transfer flavoprotein subunit alpha; minus strand). Cytogenetic location: 15q24.2.
Variant type: single nucleotide variant.
Coding change: c.683G>A on transcript NM_000126.4 (MANE Select); coding-DNA position 683, G replaced by A.
Protein change: p.Gly228Glu; replaces glycine 228 with glutamic acid.
Molecular consequence: missense variant.
Genome position (GRCh38, 1-based): chr15:76,283,807, C>T on the plus strand (G>A on the coding strand, the complement: ETFA is on the minus strand). VCF-style: chr15-76283807-C-T. GRCh37 (hg19) VCF-style: chr15-76576148-C-T.
Other names: c.536G>A, p.Gly179Glu (NM_001127716.2); short protein forms G228E, G179E.
Identifiers: ClinVar variation 1963886 (VCV001963886.5), dbSNP rs1291498835, ClinGen allele CA393512674.